The following is an entry in ClinVar:

NM_007144.3(PCGF2):c.859C>G (p.Pro287Ala)

Genes: CISD3 (CDGSH iron sulfur domain 3; plus strand), PCGF2 (polycomb group ring finger 2; minus strand). Cytogenetic location: 17q12.
Variant type: single nucleotide variant.
Coding change: c.859C>G on transcript NM_007144.3 (MANE Select); coding-DNA position 859, C replaced by G.
Protein change: p.Pro287Ala; replaces proline 287 with alanine.
Molecular consequence: missense variant. On other transcripts: 3 prime UTR variant (1).
Genome position (GRCh38, 1-based): chr17:38,735,399, G>C on the plus strand (C>G on the coding strand, the complement: PCGF2 is on the minus strand). VCF-style: chr17-38735399-G-C. GRCh37 (hg19) VCF-style: chr17-36891652-G-C.
Other names: c.*1944G>C (NM_001136498.2); c.859C>G, p.Pro287Ala (NM_001369614.1, NM_001369615.1); short protein forms P287A.
Identifiers: ClinVar variation 1442982 (VCV001442982.9), dbSNP rs953468425, ClinGen allele CA290331796.

ClinVar aggregate classification (germline): Uncertain significance. Review status: criteria provided, multiple submitters, no conflicts (2 of 4 stars). 2 submissions from 2 submitters: Uncertain significance (2). Last evaluated 2025-05-05.

Conditions:
Inborn genetic diseases. Identifiers: MedGen C0950123, MeSH D030342.

Allele frequency attached by ClinVar (database versions not stated): gnomAD 0.00001; gnomAD exomes 0.00001 and 0.00002; TOPMed 0.00004.
gnomAD v4.1: 33 of 1,571,470 alleles (0.0021%); highest among the groups gnomAD compares: Non-Finnish European, 0.0027%; no homozygotes.

Submissions (2):

Labcorp Genetics (formerly Invitae), Labcorp
Classification: Uncertain significance. Last evaluated: 2025-05-05. Review status: criteria provided, single submitter. Criteria: Invitae Variant Classification Sherloc (09022015). Collection method: clinical testing. Allele origin: germline.
Comment: This sequence change replaces proline, which is neutral and non-polar, with alanine, which is neutral and non-polar, at codon 287 of the PCGF2 protein (p.Pro287Ala). The frequency data for this variant in the population databases is considered unreliable, as metrics indicate poor data quality at this position in the gnomAD database. This variant has not been reported in the literature in individuals affected with PCGF2-related conditions. ClinVar contains an entry for this variant (Variation ID: 1442982). Invitae Evidence Modeling of protein sequence and biophysical properties (such as structural, functional, and spatial information, amino acid conservation, physicochemical variation, residue mobility, and thermodynamic stability) indicates that this missense variant is not expected to disrupt PCGF2 protein function with a negative predictive value of 80%. In summary, the available evidence is currently insufficient to determine the role of this variant in disease. Therefore, it has been classified as a Variant of Uncertain Significance.

Ambry Genetics
Classification: Uncertain significance for Inborn genetic diseases. Last evaluated: 2023-12-19. Review status: criteria provided, single submitter. Criteria: Ambry Variant Classification Scheme 2023. Collection method: clinical testing. Allele origin: germline.